The following is an entry in ClinVar:

NM_021008.4(DEAF1):c.1503+1G>A

Genes: DEAF1 (DEAF1 transcription factor; minus strand), LOC126861109 (BRD4-independent group 4 enhancer GRCh37_chr11:673917-675116; plus strand). Cytogenetic location: 11p15.5.
Variant type: single nucleotide variant.
Coding change: c.1503+1G>A on transcript NM_021008.4 (MANE Select); the canonical splice donor site of the intron after coding-DNA position 1503, G replaced by A.
Molecular consequence: splice donor variant.
Genome position (GRCh38, 1-based): chr11:674,535, C>T on the plus strand (G>A on the coding strand, the complement: DEAF1 is on the minus strand). VCF-style: chr11-674535-C-T. GRCh37 (hg19) VCF-style: chr11-674535-C-T.
Other names: c.777+1G>A (NM_001367390.1, NM_001440885.1, NM_001440887.1 and 1 more transcripts); c.1236+1G>A (NM_001293634.2); c.1374+1G>A (NM_001440884.1); c.1503+1G>A (NM_001440883.1).
Identifiers: ClinVar variation 2023944 (VCV002023944.4), dbSNP rs2494378255, ClinGen allele CA378922356.

ClinVar aggregate classification (germline): Likely pathogenic (1 of 4 stars; one submission).

Submission:

Labcorp Genetics (formerly Invitae), Labcorp
Classification: Likely pathogenic. Last evaluated: 2022-08-22. Review status: criteria provided, single submitter. Criteria: Invitae Variant Classification Sherloc (09022015). Collection method: clinical testing. Allele origin: germline.
Comment: This sequence change affects a donor splice site in intron 10 of the DEAF1 gene. It is expected to disrupt RNA splicing. Variants that disrupt the donor or acceptor splice site typically lead to a loss of protein function (PMID: 16199547), and loss-of-function variants in DEAF1 are known to be pathogenic (PMID: 30923367). This variant is not present in population databases (gnomAD no frequency). This variant has not been reported in the literature in individuals affected with DEAF1-related conditions. In summary, the currently available evidence indicates that the variant is pathogenic, but additional data are needed to prove that conclusively. Therefore, this variant has been classified as Likely Pathogenic. Algorithms developed to predict the effect of sequence changes on RNA splicing suggest that this variant may disrupt the consensus splice site.

Literature cited by the submitters: PubMed 16199547; PubMed 30923367.